The following is an entry in ClinVar:

ClinVar aggregate classification (germline): Likely pathogenic. Review status: criteria provided, single submitter (1 of 4 stars). 2 submissions from 2 submitters: Likely pathogenic (1). 1 of the submissions does not count toward it. Last evaluated 2026-08-06.

Conditions:
Autosomal recessive syndromic neurodevelopmental disorder.
INTELLECTUAL DEVELOPMENTAL DISORDER, AUTOSOMAL RECESSIVE 86 (MRT86). Identifiers: MedGen CN382545, OMIM 621738.

Submissions (2):

Department of Molecular Genetics, Istishari Arab Hospital
Classification: Likely pathogenic for Autosomal recessive syndromic neurodevelopmental disorder. Last evaluated: 2026-08-06. Review status: criteria provided, single submitter. Criteria: ACMG Guidelines, 2015. Collection method: clinical testing. Allele origin: germline. Inheritance: Autosomal recessive inheritance. Affected: yes.
Comment: The DMAP1 variant c.676C>T, p.Arg226Trp creates an amino acid change from Arg to Trp at position 226 in exon 5 (out of 10 exons). This variant is observed with very low frequency in the gnomAD v4.1.0 dataset. It is classified as likely pathogenic according to the recommendations of ACMG/AMP/ClinGen SVI guidelines

OMIM
Classification: Pathogenic for INTELLECTUAL DEVELOPMENTAL DISORDER, AUTOSOMAL RECESSIVE 86. Last evaluated: 2026-10-13. Review status: no assertion criteria provided. Collection method: literature only. Allele origin: germline. Not counted in ClinVar's aggregate classification.

Literature cited by the submitters: PubMed 42275155 (cited by Department of Molecular Genetics, Istishari Arab Hospital and OMIM).

NM_019100.5(DMAP1):c.676C>T (p.Arg226Trp)

Gene: DMAP1 (DNA methyltransferase 1 associated protein 1; plus strand). Cytogenetic location: 1p34.1.
Variant type: single nucleotide variant.
Coding change: c.676C>T on transcript NM_019100.5 (MANE Select); coding-DNA position 676, C replaced by T.
Protein change: p.Arg226Trp; replaces arginine 226 with tryptophan.
Molecular consequence: missense variant.
Genome position (GRCh38, 1-based): chr1:44,218,711, C>T. VCF-style: chr1-44218711-C-T. GRCh37 (hg19) VCF-style: chr1-44684383-C-T.
Other names: p.Arg226Trp; c.676C>T, p.Arg226Trp (NM_001034024.2, NM_001034023.2); short protein forms R226W.
Identifiers: ClinVar variation 4886923 (VCV004886923.2).